The following is an entry in ClinVar:

NM_001131016.2(CIZ1):c.1325G>A (p.Ser442Asn)

Gene: CIZ1 (CDKN1A interacting zinc finger protein 1; minus strand). Cytogenetic location: 9q34.11.
Variant type: single nucleotide variant.
Coding change: c.1325G>A on transcript NM_001131016.2 (MANE Select); coding-DNA position 1325, G replaced by A.
Protein change: p.Ser442Asn; replaces serine 442 with asparagine.
Molecular consequence: missense variant.
Genome position (GRCh38, 1-based): chr9:128,178,882, C>T on the plus strand (G>A on the coding strand, the complement: CIZ1 is on the minus strand). VCF-style: chr9-128178882-C-T. GRCh37 (hg19) VCF-style: chr9-130941161-C-T.
Other names: c.1157G>A, p.Ser386Asn (NM_001131015.2); c.1142G>A, p.Ser381Asn (NM_001131017.2); c.1085G>A, p.Ser362Asn (NM_001131018.2); c.1415G>A, p.Ser472Asn (NM_001257975.2); c.1022G>A, p.Ser341Asn (NM_001257976.2); c.1325G>A, p.Ser442Asn (NM_012127.3); short protein forms S362N, S341N, S381N, S442N, S472N, S386N.
Identifiers: ClinVar variation 1444171 (VCV001444171.8), dbSNP rs762986919, ClinGen allele CA5257335.

ClinVar aggregate classification (germline): Uncertain significance (1 of 4 stars; one submission).

Conditions:
Dystonic disorder. Also called: Dystonia. Identifiers: MedGen C0013421, MONDO:0003441, HP:0001332.

Allele frequency attached by ClinVar (database versions not stated): gnomAD exomes below 0.00001; ExAC 0.00001; gnomAD 0.00001; TOPMed 0.00001.
gnomAD v4.1: 3 of 1,614,100 alleles (0.00019%); highest among the groups gnomAD compares: African/African-American, 0.0013%; no homozygotes.

Submission:

Labcorp Genetics (formerly Invitae), Labcorp
Classification: Uncertain significance for Dystonic disorder. Last evaluated: 2021-03-17. Review status: criteria provided, single submitter. Criteria: Invitae Variant Classification Sherloc (09022015). Collection method: clinical testing. Allele origin: germline.
Comment: In summary, the available evidence is currently insufficient to determine the role of this variant in disease. Therefore, it has been classified as a Variant of Uncertain Significance. Algorithms developed to predict the effect of missense changes on protein structure and function (SIFT, PolyPhen-2, Align-GVGD) all suggest that this variant is likely to be tolerated, but these predictions have not been confirmed by published functional studies and their clinical significance is uncertain. This variant has not been reported in the literature in individuals with CIZ1-related conditions. This variant is present in population databases (rs762986919, ExAC 0.01%). This sequence change replaces serine with asparagine at codon 442 of the CIZ1 protein (p.Ser442Asn). The serine residue is weakly conserved and there is a small physicochemical difference between serine and asparagine.